The following is an entry in ClinVar:

NM_153021.5(PLB1):c.3133G>A (p.Glu1045Lys)

Gene: PLB1 (phospholipase B1; plus strand). Cytogenetic location: 2p23.2.
Variant type: single nucleotide variant.
Coding change: c.3133G>A on transcript NM_153021.5 (MANE Select); coding-DNA position 3133, G replaced by A.
Protein change: p.Glu1045Lys; replaces glutamic acid 1045 with lysine.
Molecular consequence: missense variant. On other transcripts: non-coding transcript variant (1).
Genome position (GRCh38, 1-based): chr2:28,614,034, G>A. VCF-style: chr2-28614034-G-A. GRCh37 (hg19) VCF-style: chr2-28836901-G-A.
Other names: NC_000002.11:g.28836901G>A; c.3100G>A, p.Glu1034Lys (NM_001170585.2); short protein forms E1034K, E1045K.
Identifiers: ClinVar variation 2650779 (VCV002650779.25), dbSNP rs115147925, ClinGen allele CA1588453.

ClinVar aggregate classification (germline): Benign (1 of 4 stars; one submission).

Allele frequency attached by ClinVar (database versions not stated): 1000 Genomes Project 0.00160; 1000 Genomes Project 30x 0.00203; ExAC 0.00278; TOPMed 0.00297; gnomAD 0.00336; ESP Exome Variant Server 0.00507; gnomAD exomes 0.00523.
gnomAD v4.1: 8,074 of 1,610,222 alleles (0.5%); highest among the groups gnomAD compares: Non-Finnish European, 0.63%; 21 homozygotes.

Submissions (6):

CeGaT Center for Human Genetics Tuebingen
Classification: Benign. Last evaluated: 2022-05-01. Review status: criteria provided, single submitter. Criteria: CeGaT Center For Human Genetics Tuebingen Variant Classification Criteria Version 2. Collection method: clinical testing. Allele origin: germline. Affected: yes. Observed: 1 variant allele.
Comment: PLB1: BP4, BS1, BS2

Dr. Peter K. Rogan Lab, Western University
No classification provided (evidence only). Condition: Lung cancer. Review status: no classification provided. Collection method: in vitro. Allele origin: not applicable. Functional consequence: retained intron. Not counted in ClinVar's aggregate classification.

Dr. Peter K. Rogan Lab, Western University
No classification provided (evidence only). Condition: Lung cancer. Review status: no classification provided. Collection method: in vitro. Allele origin: not applicable. Functional consequence: retained intron. Not counted in ClinVar's aggregate classification.

Dr. Peter K. Rogan Lab, Western University
No classification provided (evidence only). Condition: Melanoma. Review status: no classification provided. Collection method: in vitro. Allele origin: not applicable. Functional consequence: retained intron. Not counted in ClinVar's aggregate classification.

Dr. Peter K. Rogan Lab, Western University
No classification provided (evidence only). Condition: Sarcoma. Review status: no classification provided. Collection method: in vitro. Allele origin: not applicable. Functional consequence: retained intron. Not counted in ClinVar's aggregate classification.

Dr. Peter K. Rogan Lab, Western University
No classification provided (evidence only). Condition: Thymoma. Review status: no classification provided. Collection method: in vitro. Allele origin: not applicable. Functional consequence: retained intron. Not counted in ClinVar's aggregate classification.